The following is an entry in ClinVar:

NM_017491.5(WDR1):c.28G>C (p.Ala10Pro)

Gene: WDR1 (WD repeat domain 1; minus strand). Cytogenetic location: 4p16.1.
Variant type: single nucleotide variant.
Coding change: c.28G>C on transcript NM_017491.5 (MANE Select); coding-DNA position 28, G replaced by C.
Protein change: p.Ala10Pro; replaces alanine 10 with proline.
Molecular consequence: missense variant.
Genome position (GRCh38, 1-based): chr4:10,116,223, C>G on the plus strand (G>C on the coding strand, the complement: WDR1 is on the minus strand). VCF-style: chr4-10116223-C-G. GRCh37 (hg19) VCF-style: chr4-10117847-C-G.
Other names: c.28G>C, p.Ala10Pro (NM_005112.5); short protein forms A10P.
Identifiers: ClinVar variation 1907886 (VCV001907886.2), dbSNP rs751055368, ClinGen allele CA2858260.
Genomic context (GRCh38, chr4:10,116,223, plus strand): 5'-TGCCCTTAGGGTCGCCGCCGATGATCTTGGAGACGCCCCTCTCCACCTGCGGGAGGCTGG[C>G]GAACACCTTCTCTGCGGAGACACAAATGCGGCGGGGCATGTCAGGGCAGGGCGGGGACGG-3'
Protein context (NP_059830.1, residues 1-20): MPYEIKKVF[Ala10Pro]SLPQVERGVS

ClinVar aggregate classification (germline): Uncertain significance (1 of 4 stars; one submission).

Allele frequency attached by ClinVar (database versions not stated): ExAC 0.00001; gnomAD 0.00001; TOPMed 0.00003.
gnomAD v4.1: 22 of 1,613,272 alleles (0.0014%); highest among the groups gnomAD compares: Non-Finnish European, 0.0018%; no homozygotes.

Submission:

Labcorp Genetics (formerly Invitae), Labcorp
Classification: Uncertain significance. Last evaluated: 2022-05-19. Review status: criteria provided, single submitter. Criteria: Invitae Variant Classification Sherloc (09022015). Collection method: clinical testing. Allele origin: germline.
Comment: This sequence change replaces alanine, which is neutral and non-polar, with proline, which is neutral and non-polar, at codon 10 of the WDR1 protein (p.Ala10Pro). This variant is present in population databases (rs751055368, gnomAD 0.007%). This variant has not been reported in the literature in individuals affected with WDR1-related conditions. Algorithms developed to predict the effect of missense changes on protein structure and function are either unavailable or do not agree on the potential impact of this missense change (SIFT: "Tolerated"; PolyPhen-2: "Probably Damaging"; Align-GVGD: "Class C0"). In summary, the available evidence is currently insufficient to determine the role of this variant in disease. Therefore, it has been classified as a Variant of Uncertain Significance.